The following is an entry in ClinVar:

ClinVar aggregate classification (germline): Uncertain significance (1 of 4 stars; one submission).

Conditions:
Inborn genetic diseases. Identifiers: MedGen C0950123, MeSH D030342.

Submission:

Ambry Genetics
Classification: Uncertain significance for Inborn genetic diseases. Last evaluated: 2021-08-13. Review status: criteria provided, single submitter. Criteria: Ambry Variant Classification Scheme 2023. Collection method: clinical testing. Allele origin: germline.
Comment: The p.I273M variant (also known as c.819C>G), located in coding exon 10 of the ERCC2 gene, results from a C to G substitution at nucleotide position 819. The isoleucine at codon 273 is replaced by methionine, an amino acid with highly similar properties. This amino acid position is conserved. In addition, the in silico prediction for this alteration is inconclusive. Since supporting evidence is limited at this time, the clinical significance of this alteration remains unclear.

NM_000400.4(ERCC2):c.819C>G (p.Ile273Met)

Gene: ERCC2 (ERCC excision repair 2, TFIIH core complex helicase subunit; minus strand). Cytogenetic location: 19q13.32.
Variant type: single nucleotide variant.
Coding change: c.819C>G on transcript NM_000400.4 (MANE Select); coding-DNA position 819, C replaced by G.
Protein change: p.Ile273Met; replaces isoleucine 273 with methionine.
Molecular consequence: missense variant.
Genome position (GRCh38, 1-based): chr19:45,364,116, G>C on the plus strand (C>G on the coding strand, the complement: ERCC2 is on the minus strand). VCF-style: chr19-45364116-G-C. GRCh37 (hg19) VCF-style: chr19-45867374-G-C.
Other names: c.747C>G, p.Ile249Met (NM_001130867.2); short protein forms I249M, I273M.
Identifiers: ClinVar variation 1762378 (VCV001762378.2), dbSNP rs2514030319, ClinGen allele CA406373872.